The following is an entry in ClinVar:

ClinVar aggregate classification (germline): Uncertain significance (1 of 4 stars; one submission).

Conditions:
Joubert syndrome. Also called: CEREBELLOPARENCHYMAL DISORDER IV; JOUBERT-BOLTSHAUSER SYNDROME; Familial aplasia of the vermis. Identifiers: Orphanet 475, MedGen C5979921, MONDO:0018772.
Meckel-Gruber syndrome. Also called: DYSENCEPHALIA SPLANCHNOCYSTICA; GRUBER SYNDROME; Dysencephalia splachnocystica. Identifiers: Orphanet 564, MedGen C0265215, MONDO:0018921.

Allele frequency attached by ClinVar (database versions not stated): TOPMed below 0.00001; gnomAD 0.00001; gnomAD exomes 0.00001 and 0.00003; ExAC 0.00002; 1000 Genomes Project 30x 0.00016; 1000 Genomes Project 0.00020.
gnomAD v4.1: 22 of 1,614,178 alleles (0.0014%); highest among the groups gnomAD compares: South Asian, 0.0099%; no homozygotes.

Submission:

Labcorp Genetics (formerly Invitae), Labcorp
Classification: Uncertain significance for Joubert syndrome; Meckel-Gruber syndrome. Last evaluated: 2021-09-24. Review status: criteria provided, single submitter. Criteria: Invitae Variant Classification Sherloc (09022015). Collection method: clinical testing. Allele origin: germline.
Comment: Algorithms developed to predict the effect of missense changes on protein structure and function (SIFT, PolyPhen-2, Align-GVGD) all suggest that this variant is likely to be tolerated. In summary, the available evidence is currently insufficient to determine the role of this variant in disease. Therefore, it has been classified as a Variant of Uncertain Significance. This variant has not been reported in the literature in individuals affected with B9D1-related conditions. This variant is present in population databases (rs530321513, ExAC 0.01%). This sequence change replaces valine with methionine at codon 193 of the B9D1 protein (p.Val193Met). The valine residue is weakly conserved and there is a small physicochemical difference between valine and methionine.

NM_015681.6(B9D1):c.577G>A (p.Val193Met)

Gene: B9D1 (B9 domain containing 1; minus strand). Cytogenetic location: 17p11.2.
Variant type: single nucleotide variant.
Coding change: c.577G>A on transcript NM_015681.6 (MANE Select); coding-DNA position 577, G replaced by A.
Protein change: p.Val193Met; replaces valine 193 with methionine.
Molecular consequence: missense variant. On other transcripts: 3 prime UTR variant (2), intron variant (4).
Genome position (GRCh38, 1-based): chr17:19,343,357, C>T on the plus strand (G>A on the coding strand, the complement: B9D1 is on the minus strand). VCF-style: chr17-19343357-C-T. GRCh37 (hg19) VCF-style: chr17-19246670-C-T.
Other names: c.*102G>A (NM_001321214.2); c.*353G>A (NM_001321215.3); c.112+433G>A (NM_001368769.2); c.404+3912G>A (NM_001321219.2); c.472+433G>A (NM_001321218.2, NM_001321217.2); short protein forms V193M.
Identifiers: ClinVar variation 1431512 (VCV001431512.6), dbSNP rs530321513, ClinGen allele CA8440067.